The following is an entry in ClinVar:

NM_001005242.3(PKP2):c.2277C>G (p.Ile759Met)

Gene: PKP2 (plakophilin 2; minus strand). Cytogenetic location: 12p11.21.
Variant type: single nucleotide variant.
Coding change: c.2277C>G on transcript NM_001005242.3 (MANE Select); coding-DNA position 2277, C replaced by G.
Protein change: p.Ile759Met; replaces isoleucine 759 with methionine.
Molecular consequence: missense variant.
Genome position (GRCh38, 1-based): chr12:32,796,189, G>C on the plus strand (C>G on the coding strand, the complement: PKP2 is on the minus strand). VCF-style: chr12-32796189-G-C. GRCh37 (hg19) VCF-style: chr12-32949123-G-C.
Other names: c.2409C>G, p.Ile803Met (NM_004572.4); short protein forms I759M, I803M.
Identifiers: ClinVar variation 967546 (VCV000967546.12), dbSNP rs1956120923, ClinGen allele CA384357747.

ClinVar aggregate classification (germline): Uncertain significance. Review status: criteria provided, multiple submitters, no conflicts (2 of 4 stars). 2 submissions from 2 submitters: Uncertain significance (2). Last evaluated 2024-03-06.

Conditions:
Cardiomyopathy (CMYO). Also called: Cardiomyopathies. Identifiers: Orphanet 167848, MedGen C0878544, MONDO:0004994, HP:0001638. Inheritance: Various modes of inheritance.
Arrhythmogenic right ventricular dysplasia 9 (ARVD9). Also called: Arrhythmogenic Right Ventricular Dysplasia/Cardiomyopathy 9; ARRHYTHMOGENIC RIGHT VENTRICULAR DYSPLASIA, FAMILIAL, 9. Identifiers: MedGen C1836906, MONDO:0012180, OMIM 609040.

Allele frequency attached by ClinVar (database versions not stated): gnomAD exomes below 0.00001.
gnomAD v4.1: 2 of 1,613,990 alleles (0.00012%); highest among the groups gnomAD compares: Non-Finnish European, 0.00017%; no homozygotes.

Submissions (2):

Color Diagnostics, LLC DBA Color Health
Classification: Uncertain significance for Cardiomyopathy. Last evaluated: 2024-03-06. Review status: criteria provided, single submitter. Criteria: ACMG Guidelines, 2015. Collection method: clinical testing. Allele origin: germline.
Comment: This missense variant replaces isoleucine with methionine at codon 803 of the PKP2 protein. Computational prediction suggests that this variant may not impact protein structure and function (internally defined REVEL score threshold <= 0.5, PMID: 27666373). To our knowledge, functional studies have not been reported for this variant. This variant has not been reported in individuals affected with cardiovascular disorders in the literature. This variant has not been identified in the general population by the Genome Aggregation Database (gnomAD). The available evidence is insufficient to determine the role of this variant in disease conclusively. Therefore, this variant is classified as a Variant of Uncertain Significance.

Labcorp Genetics (formerly Invitae), Labcorp
Classification: Uncertain significance for Arrhythmogenic right ventricular dysplasia 9. Last evaluated: 2019-10-29. Review status: criteria provided, single submitter. Criteria: Invitae Variant Classification Sherloc (09022015). Collection method: clinical testing. Allele origin: germline.
Comment: This variant has not been reported in the literature in individuals with PKP2-related conditions. This sequence change replaces isoleucine with methionine at codon 803 of the PKP2 protein (p.Ile803Met). The isoleucine residue is moderately conserved and there is a small physicochemical difference between isoleucine and methionine. This variant is not present in population databases (ExAC no frequency). Algorithms developed to predict the effect of missense changes on protein structure and function output the following: SIFT: "Tolerated"; PolyPhen-2: "Benign"; Align-GVGD: "Class C0". The methionine amino acid residue is found in multiple mammalian species, suggesting that this missense change does not adversely affect protein function. These predictions have not been confirmed by published functional studies and their clinical significance is uncertain. In summary, the available evidence is currently insufficient to determine the role of this variant in disease. Therefore, it has been classified as a Variant of Uncertain Significance.